The following is an entry in ClinVar:

ClinVar aggregate classification (germline): Uncertain significance. Review status: reviewed by expert panel (3 of 4 stars). 2 submissions from 2 submitters: Uncertain significance (1). 1 of the submissions does not count toward it. Last evaluated 2024-09-16.

Conditions:
Hereditary thrombocytopenia and hematologic cancer predisposition syndrome. Identifiers: Orphanet 71290, MedGen CN281654, MONDO:0011071.
Hereditary thrombocytopenia and hematological cancer predisposition syndrome associated with RUNX1. Also called: RUNX1 Familial Platelet Disorder with Associated Myeloid Malignancies; Familial Platelet Disorder with Propensity to Acute Myelogenous Leukemia; Familial thrombocytopenia with propensity to acute myelogenous leukemia; PLATELET DISORDER, ASPIRIN-LIKE. Identifiers: Orphanet 71290, MedGen C1832388, MeSH C563324, MONDO:0100083, OMIM 601399.

gnomAD v4.1: 1 of 1,567,454 alleles (0.000064%); highest among the groups gnomAD compares: Non-Finnish European, 0.000086%; no homozygotes.

Submissions (2):

ClinGen Myeloid Malignancy Variant Curation Expert Panel
Classification: Uncertain significance for Hereditary thrombocytopenia and hematologic cancer predisposition syndrome. Last evaluated: 2024-09-16. Review status: reviewed by expert panel. Criteria: ClinGen MyeloMalig ACMG Specifications v2. Collection method: curation. Allele origin: germline. Inheritance: Autosomal dominant inheritance.
Comment: NM_001754.5(RUNX1):c.1171G>C (p.Ala391Pro) is a missense variant which has a REVEL score < 0.50 (0.103), and a SpliceAI score ≤ 0.20 (0.0) (BP4). This variant is completely absent from all population databases with at least 20x coverage for RUNX1 (PM2_Supporting). In summary, the clinical significance of this variant is uncertain. ACMG/AMP criteria applied, as specified by the Myeloid Malignancy Variant Curation Expert Panel for RUNX1: BP4, PM2_supporting.

Labcorp Genetics (formerly Invitae), Labcorp
Classification: Uncertain significance for Hereditary thrombocytopenia and hematological cancer predisposition syndrome associated with RUNX1. Last evaluated: 2023-04-27. Review status: criteria provided, single submitter. Criteria: Invitae Variant Classification Sherloc (09022015). Collection method: clinical testing. Allele origin: germline. Not counted in ClinVar's aggregate classification.
Comment: In summary, the available evidence is currently insufficient to determine the role of this variant in disease. Therefore, it has been classified as a Variant of Uncertain Significance. Advanced modeling of protein sequence and biophysical properties (such as structural, functional, and spatial information, amino acid conservation, physicochemical variation, residue mobility, and thermodynamic stability) performed at Invitae indicates that this missense variant is not expected to disrupt RUNX1 protein function. This variant has not been reported in the literature in individuals affected with RUNX1-related conditions. This variant is not present in population databases (gnomAD no frequency). This sequence change replaces alanine, which is neutral and non-polar, with proline, which is neutral and non-polar, at codon 391 of the RUNX1 protein (p.Ala391Pro).

NM_001754.5(RUNX1):c.1171G>C (p.Ala391Pro)

Gene: RUNX1 (RUNX family transcription factor 1; minus strand). Cytogenetic location: 21q22.12.
Variant type: single nucleotide variant.
Coding change: c.1171G>C on transcript NM_001754.5 (MANE Select); coding-DNA position 1171, G replaced by C.
Protein change: p.Ala391Pro; replaces alanine 391 with proline.
Molecular consequence: missense variant.
Genome position (GRCh38, 1-based): chr21:34,792,407, C>G on the plus strand (G>C on the coding strand, the complement: RUNX1 is on the minus strand). VCF-style: chr21-34792407-C-G. GRCh37 (hg19) VCF-style: chr21-36164704-C-G.
Other names: NM_001754.5(RUNX1):c.1171G>C; p.Ala391Pro; c.1090G>C, p.Ala364Pro (NM_001001890.3); short protein forms A391P, A364P.
Identifiers: ClinVar variation 2993180 (VCV002993180.4), dbSNP rs773725073, ClinGen allele CA10014195.